The following is an entry in ClinVar:

NM_052867.4(NALCN):c.4484G>T (p.Arg1495Leu)

Gene: NALCN (sodium leak channel, non-selective; minus strand). Cytogenetic location: 13q32.3.
Variant type: single nucleotide variant.
Coding change: c.4484G>T on transcript NM_052867.4 (MANE Select); coding-DNA position 4484, G replaced by T.
Protein change: p.Arg1495Leu; replaces arginine 1495 with leucine.
Molecular consequence: missense variant.
Genome position (GRCh38, 1-based): chr13:101,065,524, C>A on the plus strand (G>T on the coding strand, the complement: NALCN is on the minus strand). VCF-style: chr13-101065524-C-A. GRCh37 (hg19) VCF-style: chr13-101717876-C-A.
Other names: c.4571G>T, p.Arg1524Leu (NM_001350748.2); c.4484G>T, p.Arg1495Leu (NM_001350749.2); c.4397G>T, p.Arg1466Leu (NM_001350750.2, NM_001350751.2); short protein forms R1466L, R1495L, R1524L.
Identifiers: ClinVar variation 4976053 (VCV004976053.1).

ClinVar aggregate classification (germline): Uncertain significance (1 of 4 stars; one submission).

Submission:

GeneDx
Classification: Uncertain significance. Last evaluated: 2026-02-09. Review status: criteria provided, single submitter. Criteria: GeneDx Variant Classification Process June 2021. Collection method: clinical testing. Allele origin: germline.
Comment: Not observed at significant frequency in large population cohorts (gnomAD); In silico analysis supports that this missense variant has a deleterious effect on protein structure/function; Has not been previously published as pathogenic or benign to our knowledge